The following is an entry in ClinVar:

ClinVar aggregate classification (germline): Likely benign (0 of 4 stars; one submission).

Conditions:
TERT-related disorder. Also called: TERT-related disorders; TERT-related condition.

Allele frequency attached by ClinVar (database versions not stated): gnomAD 0.00001; TOPMed 0.00002.
gnomAD v4.1: 45 of 1,603,536 alleles (0.0028%); highest among the groups gnomAD compares: South Asian, 0.0078%; no homozygotes.

Submission:

PreventionGenetics, part of Exact Sciences
Classification: Likely benign for TERT-related condition. Last evaluated: 2022-05-04. Review status: no assertion criteria provided. Collection method: clinical testing. Allele origin: germline.
Comment: This variant is classified as likely benign based on ACMG/AMP sequence variant interpretation guidelines (Richards et al. 2015 PMID: 25741868, with internal and published modifications).

NM_198253.3(TERT):c.*10G>A

Gene: TERT (telomerase reverse transcriptase; minus strand). Cytogenetic location: 5p15.33.
Variant type: single nucleotide variant.
Coding change: c.*10G>A on transcript NM_198253.3 (MANE Select); 10 bases downstream of the stop codon, G replaced by A.
Molecular consequence: 3 prime UTR variant. On other transcripts: non-coding transcript variant (2).
Genome position (GRCh38, 1-based): chr5:1,253,718, C>T on the plus strand (G>A on the coding strand, the complement: TERT is on the minus strand). VCF-style: chr5-1253718-C-T. GRCh37 (hg19) VCF-style: chr5-1253833-C-T.
Other names: c.*10G>A (NM_001193376.3, NM_003219.1).
Identifiers: ClinVar variation 3054795 (VCV003054795.2), dbSNP rs771745814, ClinGen allele CA3184195.